The following is an entry in ClinVar:

ClinVar aggregate classification (germline): Uncertain significance (1 of 4 stars; one submission).

Submission:

Ambry Genetics
Classification: Uncertain significance. Last evaluated: 2025-07-15. Review status: criteria provided, single submitter. Criteria: Ambry Variant Classification Scheme 2023. Collection method: clinical testing. Allele origin: germline.
Comment: The p.M757T variant (also known as c.2270T>C), located in coding exon 12 of the ATRIP gene, results from a T to C substitution at nucleotide position 2270. The methionine at codon 757 is replaced by threonine, an amino acid with similar properties. This amino acid position is conserved. In addition, this alteration is predicted to be tolerated by in silico analysis. Based on the available evidence, the clinical significance of this variant remains unclear.

NM_130384.3(ATRIP):c.2270T>C (p.Met757Thr)

Genes: ATRIP (ATR interacting protein; plus strand), ATRIP-TREX1 (ATRIP-TREX1 readthrough; plus strand). Cytogenetic location: 3p21.31.
Variant type: single nucleotide variant.
Coding change: c.2270T>C on transcript NM_130384.3 (MANE Select); coding-DNA position 2270, T replaced by C.
Protein change: p.Met757Thr; replaces methionine 757 with threonine.
Molecular consequence: missense variant. On other transcripts: non-coding transcript variant (1).
Genome position (GRCh38, 1-based): chr3:48,465,045, T>C. VCF-style: chr3-48465045-T-C. GRCh37 (hg19) VCF-style: chr3-48506444-T-C.
Other names: c.1889T>C, p.Met630Thr (NM_001271022.2); c.1991T>C, p.Met664Thr (NM_001271023.2); c.2189T>C, p.Met730Thr (NM_032166.4); short protein forms M730T, M664T, M757T, M630T.
Identifiers: ClinVar variation 4182103 (VCV004182103.1).